The following is an entry in ClinVar:

NM_001004334.4(GPR179):c.5927G>A (p.Arg1976His)

Gene: GPR179 (G protein-coupled receptor 179; minus strand). Cytogenetic location: 17q12.
Variant type: single nucleotide variant.
Coding change: c.5927G>A on transcript NM_001004334.4 (MANE Select); coding-DNA position 5927, G replaced by A.
Protein change: p.Arg1976His; replaces arginine 1976 with histidine.
Molecular consequence: missense variant.
Genome position (GRCh38, 1-based): chr17:38,327,642, C>T on the plus strand (G>A on the coding strand, the complement: GPR179 is on the minus strand). VCF-style: chr17-38327642-C-T. GRCh37 (hg19) VCF-style: chr17-36483525-C-T.
Other names: short protein forms R1976H.
Identifiers: ClinVar variation 322977 (VCV000322977.10), dbSNP rs200274687, ClinGen allele CA10650015.

ClinVar aggregate classification (germline): Conflicting classifications of pathogenicity. Review status: criteria provided, conflicting classifications (1 of 4 stars). 4 submissions from 4 submitters: Uncertain significance (3); Likely benign (1). Last evaluated 2025-02-03.

Conditions:
Congenital stationary night blindness 1E. Also called: Night blindness, congenital stationary (complete), 1E, autosomal recessive. Identifiers: Orphanet 215, MedGen C3281215, MONDO:0013807, OMIM 614565.
Inborn genetic diseases. Identifiers: MedGen C0950123, MeSH D030342.

Allele frequency attached by ClinVar (database versions not stated): gnomAD 0.00031 and 0.00029; TOPMed 0.00032; 1000 Genomes Project 30x 0.00016; 1000 Genomes Project 0.00020; ExAC 0.00021; gnomAD exomes 0.00023 and 0.00025; ESP Exome Variant Server 0.00024.
gnomAD v4.1: 409 of 1,614,222 alleles (0.025%); highest among the groups gnomAD compares: Admixed American, 0.068%; no homozygotes.

Submissions (4):

Labcorp Genetics (formerly Invitae), Labcorp
Classification: Uncertain significance. Last evaluated: 2025-02-03. Review status: criteria provided, single submitter. Criteria: Invitae Variant Classification Sherloc (09022015). Collection method: clinical testing. Allele origin: germline.
Comment: This sequence change replaces arginine, which is basic and polar, with histidine, which is basic and polar, at codon 1976 of the GPR179 protein (p.Arg1976His). This variant is present in population databases (rs200274687, gnomAD 0.07%). This variant has not been reported in the literature in individuals affected with GPR179-related conditions. ClinVar contains an entry for this variant (Variation ID: 322977). An algorithm developed to predict the effect of missense changes on protein structure and function outputs the following: PolyPhen-2: "Benign". The histidine amino acid residue is found in multiple mammalian species, which suggests that this missense change does not adversely affect protein function. In summary, the available evidence is currently insufficient to determine the role of this variant in disease. Therefore, it has been classified as a Variant of Uncertain Significance.

Blueprint Genetics
Classification: Likely benign. Last evaluated: 2024-05-03. Review status: criteria provided, single submitter. Criteria: ACMG Guidelines, 2015. Collection method: clinical testing. Allele origin: germline.

Ambry Genetics
Classification: Uncertain significance for Inborn genetic diseases. Last evaluated: 2023-12-26. Review status: criteria provided, single submitter. Criteria: Ambry Variant Classification Scheme 2023. Collection method: clinical testing. Allele origin: germline.

Illumina Laboratory Services, Illumina
Classification: Uncertain significance for Congenital stationary night blindness 1E. Last evaluated: 2018-01-12. Review status: criteria provided, single submitter. Criteria: ICSL Variant Classification Criteria 13 December 2019. Collection method: clinical testing. Allele origin: germline.